The following is an entry in ClinVar:

ClinVar aggregate classification (germline): Uncertain significance. Review status: criteria provided, multiple submitters, no conflicts (2 of 4 stars). 4 submissions from 4 submitters: Uncertain significance (4). Last evaluated 2024-05-29.

Conditions:
Hereditary cancer-predisposing syndrome. Also called: Neoplastic Syndromes, Hereditary; Tumor predisposition; Hereditary neoplastic syndrome; Hereditary Cancer Syndrome. Identifiers: Orphanet 140162, MedGen C0027672, MeSH D009386, MONDO:0015356.
Familial cancer of breast. Also called: BREAST CANCER, FAMILIAL; Hereditary breast cancer; hereditary breast carcinoma. Identifiers: Orphanet 227535, MedGen C0346153, MONDO:0016419, OMIM 114480. Disease mechanism: loss of function.

gnomAD v4.1: 2 of 1,614,116 alleles (0.00012%); highest among the groups gnomAD compares: Non-Finnish European, 0.00017%; no homozygotes.

Submissions (4):

Labcorp Genetics (formerly Invitae), Labcorp
Classification: Uncertain significance for Familial cancer of breast. Last evaluated: 2024-05-29. Review status: criteria provided, single submitter. Criteria: Invitae Variant Classification Sherloc (09022015). Collection method: clinical testing. Allele origin: germline.
Comment: This sequence change replaces serine, which is neutral and polar, with tyrosine, which is neutral and polar, at codon 329 of the BARD1 protein (p.Ser329Tyr). This variant is not present in population databases (gnomAD no frequency). This variant has not been reported in the literature in individuals affected with BARD1-related conditions. ClinVar contains an entry for this variant (Variation ID: 628524). An algorithm developed to predict the effect of missense changes on protein structure and function (PolyPhen-2) suggests that this variant is likely to be tolerated. In summary, the available evidence is currently insufficient to determine the role of this variant in disease. Therefore, it has been classified as a Variant of Uncertain Significance.

Color Diagnostics, LLC DBA Color Health
Classification: Uncertain significance for Hereditary cancer-predisposing syndrome. Last evaluated: 2023-12-05. Review status: criteria provided, single submitter. Criteria: ACMG Guidelines, 2015. Collection method: clinical testing. Allele origin: germline.
Comment: This missense variant replaces serine with tyrosine at codon 329 of the BARD1 protein. Computational prediction suggests that this variant may not impact protein structure and function (internally defined REVEL score threshold <= 0.5, PMID: 27666373). To our knowledge, functional studies have not been reported for this variant. This variant has not been reported in individuals affected with BARD1-related disorders in the literature. This variant has not been identified in the general population by the Genome Aggregation Database (gnomAD). The available evidence is insufficient to determine the role of this variant in disease conclusively. Therefore, this variant is classified as a Variant of Uncertain Significance.

Ambry Genetics
Classification: Uncertain significance for Hereditary cancer-predisposing syndrome. Last evaluated: 2023-11-09. Review status: criteria provided, single submitter. Criteria: Ambry Variant Classification Scheme 2023. Collection method: clinical testing. Allele origin: germline.
Comment: The p.S329Y variant (also known as c.986C>A), located in coding exon 4 of the BARD1 gene, results from a C to A substitution at nucleotide position 986. The serine at codon 329 is replaced by tyrosine, an amino acid with dissimilar properties. This amino acid position is poorly conserved in available vertebrate species. In addition, this alteration is predicted to be tolerated by in silico analysis. Since supporting evidence is limited at this time, the clinical significance of this alteration remains unclear.

GeneDx
Classification: Uncertain significance. Last evaluated: 2022-10-14. Review status: criteria provided, single submitter. Criteria: GeneDx Variant Classification Process June 2021. Collection method: clinical testing. Allele origin: germline. Affected: yes.
Comment: Not observed at significant frequency in large population cohorts (gnomAD); In silico analysis supports that this missense variant does not alter protein structure/function; Has not been previously published as pathogenic or benign to our knowledge; This variant is associated with the following publications: (PMID: 15632137)

NM_000465.4(BARD1):c.986C>A (p.Ser329Tyr)

Gene: BARD1 (BRCA1 associated RING domain 1; minus strand). Cytogenetic location: 2q35.
Variant type: single nucleotide variant.
Coding change: c.986C>A on transcript NM_000465.4 (MANE Select); coding-DNA position 986, C replaced by A.
Protein change: p.Ser329Tyr; replaces serine 329 with tyrosine.
Molecular consequence: missense variant. On other transcripts: non-coding transcript variant (2), intron variant (3).
Genome position (GRCh38, 1-based): chr2:214,780,888, G>T on the plus strand (C>A on the coding strand, the complement: BARD1 is on the minus strand). VCF-style: chr2-214780888-G-T. GRCh37 (hg19) VCF-style: chr2-215645612-G-T.
Other names: c.929C>A, p.Ser310Tyr (NM_001282543.2); c.159-28333C>A (NM_001282548.2); c.215+16173C>A (NM_001282545.2); c.364+11409C>A (NM_001282549.2); c.986C>A (NM_000465.2); short protein forms S329Y, S310Y.
Identifiers: ClinVar variation 628524 (VCV000628524.12), dbSNP rs905626929, ClinGen allele CA350454513.